The following is an entry in ClinVar:

NM_000642.3(AGL):c.118C>T (p.Gln40Ter)

Gene: AGL (amylo-alpha-1,6-glucosidase and 4-alpha-glucanotransferase; plus strand). Cytogenetic location: 1p21.2.
Variant type: single nucleotide variant.
Coding change: c.118C>T on transcript NM_000642.3 (MANE Select); coding-DNA position 118, C replaced by T.
Protein change: p.Gln40Ter; replaces glutamine 40 with a stop codon.
Molecular consequence: nonsense.
Genome position (GRCh38, 1-based): chr1:99,861,538, C>T. VCF-style: chr1-99861538-C-T. GRCh37 (hg19) VCF-style: chr1-100327094-C-T.
Other names: c.118C>T, p.Gln40Ter (NM_000028.3, NM_000643.3, NM_000644.3 and 5 more transcripts); c.70C>T, p.Gln24Ter (NM_000646.3); short protein forms Q40*, Q24*.
Identifiers: ClinVar variation 189045 (VCV000189045.17), dbSNP rs771961377, ClinGen allele CA274315.

ClinVar aggregate classification (germline): Pathogenic. Review status: criteria provided, multiple submitters, no conflicts (2 of 4 stars). 9 submissions from 9 submitters: Pathogenic (7). 2 of the submissions do not count toward it. Last evaluated 2026-01-14.

Conditions:
Glycogen storage disease type III (GSD3). Also called: FORBES DISEASE; Cori disease. Identifiers: Orphanet 366, MedGen C0017922, MONDO:0009291, OMIM 232400.

Allele frequency attached by ClinVar (database versions not stated): ExAC 0.00002; TOPMed 0.00002.
gnomAD v4.1: 10 of 1,613,960 alleles (0.00062%); highest among the groups gnomAD compares: East Asian, 0.0022%; no homozygotes.

Submissions (9):

Labcorp Genetics (formerly Invitae), Labcorp
Classification: Pathogenic for Glycogen storage disease type III. Last evaluated: 2026-01-14. Review status: criteria provided, single submitter. Criteria: Invitae Variant Classification Sherloc (09022015). Collection method: clinical testing. Allele origin: germline.
Comment: This sequence change creates a premature translational stop signal (p.Gln40*) in the AGL gene. It is expected to result in an absent or disrupted protein product. Loss-of-function variants in AGL are known to be pathogenic (PMID: 19299494). This variant is present in population databases (rs771961377, gnomAD 0.006%). This premature translational stop signal has been observed in individuals with glycogen storage disease type III (PMID: 20648714, 23430941, 25451272). ClinVar contains an entry for this variant (Variation ID: 189045). For these reasons, this variant has been classified as Pathogenic.

3billion
Classification: Pathogenic for Glycogen storage disease type III. Last evaluated: 2025-10-21. Review status: criteria provided, single submitter. Criteria: ACMG Guidelines, 2015. Collection method: clinical testing. Allele origin: germline. Affected: yes.
Comment: The variant is observed at an extremely low frequency in the gnomAD v4.1.0 dataset (total allele frequency: <0.001%). Predicted Consequence/Location: Stop-gained (nonsense): predicted to result in a loss or disruption of normal protein function through nonsense-mediated decay (NMD) or protein truncation. Multiple pathogenic variants are reported downstream of the variant. The variant has been reported at least twice as pathogenic with clinical assertions and evidence for the classification (ClinVar ID: VCV000189045 /PMID: 20648714). Therefore, this variant is classified as Pathogenic according to the recommendation of ACMG/AMP guideline.

Natera, Inc.
Classification: Pathogenic for Glycogen storage disease type III. Last evaluated: 2025-09-09. Review status: criteria provided, single submitter. Criteria: Natera Variant Classification Schema (03/2026). Collection method: clinical testing. Allele origin: germline.
Comment: The c.118C>T variant in AGL is a nonsense variant predicted to introduce a stop codon at amino acid 40. This variant is expected to result in nonsense mediated decay, truncation, or a dysfunctional protein product. This variant is rare in the general population with a frequency below the threshold expected for the associated phenotype(s). This variant has been observed in one or more individuals affected with the associated recessive disease, as either homozygous or compound heterozygous with a second variant (PMID: 25451272). Additionally, this variant has been observed to segregate in affected family members (PMID: 25451272). Given the available evidence, this variant is classified as Pathogenic.

Women's Health and Genetics/Laboratory Corporation of America, LabCorp
Classification: Pathogenic for Glycogen storage disease type III. Last evaluated: 2023-09-07. Review status: criteria provided, single submitter. Criteria: LabCorp Variant Classification Summary - May 2015. Collection method: clinical testing. Allele origin: germline.
Comment: Variant summary: AGL c.118C>T (p.Gln40X) results in a premature termination codon, predicted to cause absence of the protein due to nonsense mediated decay, a commonly known mechanism for disease. The variant allele was found at a frequency of 8e-06 in 251268 control chromosomes (gnomAD). c.118C>T has been reported in the literature as a biallelic genotype in at least one individual affected with Glycogen Storage Disease Type III (e.g. Laforet_2019). These data indicate that the variant is likely associated with disease. The following publication has been ascertained in the context of this evaluation (PMID: 31661040). Five submitters have cited clinical-significance assessments for this variant to ClinVar after 2014. All submitters classified the variant as pathogenic. Based on the evidence outlined above, the variant was classified as pathogenic.

Greenwood Genetic Center Diagnostic Laboratories, Greenwood Genetic Center
Classification: Pathogenic for Glycogen storage disease type III. Last evaluated: 2023-01-03. Review status: criteria provided, single submitter. Criteria: ACMG Guidelines, 2015. Collection method: clinical testing. Allele origin: germline. Affected: yes.
Comment: PVS1, PM2, PS3

Genome-Nilou Lab
Classification: Pathogenic for Glycogen storage disease type III. Last evaluated: 2021-07-15. Review status: criteria provided, single submitter. Criteria: ACMG Guidelines, 2015. Collection method: clinical testing. Allele origin: germline. Affected: no.

GeneDx
Classification: Pathogenic. Last evaluated: 2017-09-22. Review status: criteria provided, single submitter. Criteria: GeneDx Variant Classification (06012015). Collection method: clinical testing. Allele origin: germline. Affected: yes.
Comment: The Q40X nonsense variant in the AGL gene has been reported previously in individuals with glycogen storage disease type III who were also found to harbor a second AGL gene variant (Austin et al., 2012; Li et al., 2014 ). The Q40X variant is not observed at a significant frequency in large population cohorts (Lek et al., 2016; 1000 Genomes Consortium et al., 2015; Exome Variant Server). This variant is predicted to cause loss of normal protein function either through protein truncation or nonsense-mediated mRNA decay. In summary, we interpret this variant as pathogenic.

Division of Human Genetics, Children's Hospital of Philadelphia
Classification: Pathogenic for Glycogen storage disease type III. Last evaluated: 2016-04-28. Review status: no assertion criteria provided. Collection method: research. Allele origin: germline. Study: CSER-PediSeq. Not counted in ClinVar's aggregate classification.

Counsyl
Classification: Likely pathogenic for Glycogen storage disease type III. Last evaluated: 2014-11-05. Review status: no assertion criteria provided. Collection method: literature only. Allele origin: unknown. Inheritance: Autosomal recessive inheritance. Not counted in ClinVar's aggregate classification.

Literature cited by the submitters: PubMed 19299494 (cited by Labcorp Genetics (formerly Invitae), Labcorp); PubMed 20648714 (cited by 4 submitters); PubMed 23430941 (cited by Labcorp Genetics (formerly Invitae), Labcorp and Counsyl); PubMed 25451272 (cited by Labcorp Genetics (formerly Invitae), Labcorp and Natera, Inc.); PubMed 31661040 (cited by Women's Health and Genetics/Laboratory Corporation of America, LabCorp).